The following is an entry in ClinVar:

NM_001142800.2(EYS):c.5317_5342delinsTA (p.Asn1773_Val1781delinsTer)

Gene: EYS (EGF-like photoreceptor maintenance factor; minus strand). Cytogenetic location: 6q12.
Variant type: Indel.
Coding change: c.5317_5342delinsTA on transcript NM_001142800.2 (MANE Select); coding-DNA positions 5317 to 5342, AATCTGCCACCATTGACAGGCTCAGT replaced by TA.
Protein change: p.Asn1773_Val1781delinsTer.
Molecular consequence: nonsense.
Genome position (GRCh38, 1-based): chr6:64,590,525-64,590,550, ACTGAGCCTGTCAATGGTGGCAGATT replaced by TA on the plus strand (AATCTGCCACCATTGACAGGCTCAGT replaced by TA on the coding strand, the reverse complement: EYS is on the minus strand). VCF-style: chr6-64590525-ACTGAGCCTGTCAATGGTGGCAGATT-TA. GRCh37 (hg19) VCF-style: chr6-65300418-ACTGAGCCTGTCAATGGTGGCAGATT-TA.
Other names: c.5317_5342delinsTA, p.Asn1773_Val1781delinsTer (NM_001292009.2).
Identifiers: ClinVar variation 438198 (VCV000438198.4), dbSNP rs1554183440, ClinGen allele CA645509486.
Genomic context (GRCh38, chr6:64,590,525, plus strand): 5'-GCTGGAGTTGCTGAAACTGTATAAAATGCAACATTGGTGGTGACTTCTGAAAAATCAGGC[ACTGAGCCTGTCAATGGTGGCAGATT>TA]ATTTTTGAAGTCATTTGCATGTGTAATTTCTGAATATGTCTTTAAAGTAACATCCGGATA-3'

ClinVar aggregate classification (germline): Pathogenic/Likely pathogenic. Review status: criteria provided, multiple submitters, no conflicts (2 of 4 stars). 3 submissions from 3 submitters: Pathogenic (1); Likely pathogenic (1). 1 of the submissions does not count toward it. Last evaluated 2023-02-20.

Conditions:
Retinal dystrophy. Also called: Inherited retinal dystrophy. Identifiers: Orphanet 71862, MedGen C0854723, MeSH D058499, MONDO:0019118, HP:0000556.
Retinitis pigmentosa 25 (RP25). Identifiers: Orphanet 791, MedGen C1864446, MONDO:0011272, OMIM 602772.
Retinitis pigmentosa (RP). Identifiers: Orphanet 791, MedGen C0035334, MeSH D012174, MONDO:0019200, OMIM 268000. Inheritance: Autosomal dominant, autosomal recessive and X linked inheritance.

Submissions (3):

Baylor Genetics
Classification: Pathogenic for Retinitis pigmentosa 25. Last evaluated: 2023-02-20. Review status: criteria provided, single submitter. Criteria: ACMG Guidelines, 2015. Collection method: clinical testing. Allele origin: unknown.

Blueprint Genetics
Classification: Likely pathogenic for Retinal dystrophy. Last evaluated: 2019-07-26. Review status: criteria provided, single submitter. Criteria: Blueprint Genetics Variant Classification Scheme. Collection method: clinical testing. Allele origin: germline. Affected: yes.

NIHR Bioresource Rare Diseases, University of Cambridge
Classification: Likely pathogenic for Retinitis pigmentosa. Last evaluated: 2015-01-01. Review status: no assertion criteria provided. Collection method: research. Allele origin: unknown. Affected: yes. Observed: 1 variant allele. Not counted in ClinVar's aggregate classification.

Literature cited by the submitters: PubMed 28041643 (cited by NIHR Bioresource Rare Diseases, University of Cambridge).